The following is an entry in ClinVar:

ClinVar aggregate classification (germline): Uncertain significance (1 of 4 stars; one submission).

gnomAD v4.1: 5 of 1,614,192 alleles (0.00031%); highest among the groups gnomAD compares: Admixed American, 0.0017%; no homozygotes.

Submission:

Labcorp Genetics (formerly Invitae), Labcorp
Classification: Uncertain significance. Last evaluated: 2023-12-11. Review status: criteria provided, single submitter. Criteria: Invitae Variant Classification Sherloc (09022015). Collection method: clinical testing. Allele origin: germline.
Comment: This sequence change replaces alanine, which is neutral and non-polar, with valine, which is neutral and non-polar, at codon 63 of the TMEM126A protein (p.Ala63Val). This variant is present in population databases (no rsID available, gnomAD 0.003%). This variant has not been reported in the literature in individuals affected with TMEM126A-related conditions. ClinVar contains an entry for this variant (Variation ID: 2111606). An algorithm developed to predict the effect of missense changes on protein structure and function (PolyPhen-2) suggests that this variant is likely to be disruptive. Algorithms developed to predict the effect of sequence changes on RNA splicing suggest that this variant may create or strengthen a splice site. In summary, the available evidence is currently insufficient to determine the role of this variant in disease. Therefore, it has been classified as a Variant of Uncertain Significance.

NM_032273.4(TMEM126A):c.188C>T (p.Ala63Val)

Gene: TMEM126A (transmembrane protein 126A; plus strand). Cytogenetic location: 11q14.1.
Variant type: single nucleotide variant.
Coding change: c.188C>T on transcript NM_032273.4 (MANE Select); coding-DNA position 188, C replaced by T.
Protein change: p.Ala63Val; replaces alanine 63 with valine.
Molecular consequence: missense variant. On other transcripts: 5 prime UTR variant (1).
Genome position (GRCh38, 1-based): chr11:85,654,164, C>T. VCF-style: chr11-85654164-C-T. GRCh37 (hg19) VCF-style: chr11-85365208-C-T.
Other names: c.-23C>T (NM_001244735.2); short protein forms A63V.
Identifiers: ClinVar variation 2111606 (VCV002111606.4), dbSNP rs1490358876, ClinGen allele CA381996077.